The following is an entry in ClinVar:

ClinVar aggregate classification (germline): Uncertain significance (1 of 4 stars; one submission).

Conditions:
Cernunnos-XLF deficiency (IMD124). Also called: SCID, AUTOSOMAL RECESSIVE, T CELL-NEGATIVE, B CELL-NEGATIVE, NK CELL-POSITIVE, WITH MICROCEPHALY, GROWTH RETARDATION, AND SENSITIVITY TO IONIZING RADIATION; Severe combined immunodeficiency with sensitivity to ionizing radiation due to NHEJ1 deficiency; SCID, autosomal recessive, T cell-negative, B cell-negative, NK cell-positive, and sensitivity to ionizing radiation due to NHEJ1 deficiency; IMMUNODEFICIENCY 124, SEVERE COMBINED; NHEJ1 SYNDROME. Identifiers: Orphanet 169079, MedGen C1969799, MONDO:0012650, OMIM 611291.

Submission:

Labcorp Genetics (formerly Invitae), Labcorp
Classification: Uncertain significance for Cernunnos-XLF deficiency. Last evaluated: 2020-12-28. Review status: criteria provided, single submitter. Criteria: Invitae Variant Classification Sherloc (09022015). Collection method: clinical testing. Allele origin: germline.
Comment: This sequence change replaces serine with leucine at codon 241 of the NHEJ1 protein (p.Ser241Leu). The serine residue is moderately conserved and there is a large physicochemical difference between serine and leucine. In summary, the available evidence is currently insufficient to determine the role of this variant in disease. Therefore, it has been classified as a Variant of Uncertain Significance. Algorithms developed to predict the effect of missense changes on protein structure and function (SIFT, PolyPhen-2, Align-GVGD) all suggest that this variant is likely to be tolerated, but these predictions have not been confirmed by published functional studies and their clinical significance is uncertain. This variant has not been reported in the literature in individuals with NHEJ1-related conditions. This variant is not present in population databases (ExAC no frequency).

NM_024782.3(NHEJ1):c.722C>T (p.Ser241Leu)

Genes: NHEJ1 (non-homologous end joining factor 1; minus strand), LOC126806516 (BRD4-independent group 4 enhancer GRCh37_chr2:219941606-219942805; plus strand). Cytogenetic location: 2q35.
Variant type: single nucleotide variant.
Coding change: c.722C>T on transcript NM_024782.3 (MANE Select); coding-DNA position 722, C replaced by T.
Protein change: p.Ser241Leu; replaces serine 241 with leucine.
Molecular consequence: missense variant. On other transcripts: non-coding transcript variant (1).
Genome position (GRCh38, 1-based): chr2:219,077,349, G>A on the plus strand (C>T on the coding strand, the complement: NHEJ1 is on the minus strand). VCF-style: chr2-219077349-G-A. GRCh37 (hg19) VCF-style: chr2-219942071-G-A.
Other names: c.722C>T, p.Ser241Leu (NM_001377498.1); c.737C>T, p.Ser246Leu (NM_001377499.1); short protein forms S246L, S241L.
Identifiers: ClinVar variation 1512734 (VCV001512734.8), dbSNP rs2106319547, ClinGen allele CA350642372.
Genomic context (GRCh38, chr2:219,077,349, plus strand): 5'-ACCAGTTGTTCTGGCTGGTTTACACATTGGCTATCGATTCCTTGCAGGGAAGCACTGTTT[G>A]AGGTATGAGGATCTCCTGAAATCAGAAAGATCAAGAGAAGATAGTGATAAATGCCTTCTT-3'
Protein context (NP_079058.1, residues 231-251): KHQGAGDPHT[Ser241Leu]NSASLQGIDS